The following is an entry in ClinVar:

NM_004186.5(SEMA3F):c.1768C>T (p.Arg590Trp)

Gene: SEMA3F (semaphorin 3F; plus strand). Cytogenetic location: 3p21.31.
Variant type: single nucleotide variant.
Coding change: c.1768C>T on transcript NM_004186.5 (MANE Select); coding-DNA position 1768, C replaced by T.
Protein change: p.Arg590Trp; replaces arginine 590 with tryptophan.
Molecular consequence: missense variant.
Genome position (GRCh38, 1-based): chr3:50,186,303, C>T. VCF-style: chr3-50186303-C-T. GRCh37 (hg19) VCF-style: chr3-50223736-C-T.
Other names: c.1471C>T, p.Arg491Trp (NM_001318798.2); c.1675C>T, p.Arg559Trp (NM_001318800.2); short protein forms R491W, R559W, R590W.
Identifiers: ClinVar variation 3344084 (VCV003344084.1).
Genomic context (GRCh38, chr3:50,186,303, plus strand): 5'-TTCCTGGGAGCACTCCTTCAGGGGCTATCCTCATCCAGGCGGAGCCGCCGGCAGGACGTC[C>T]GGCACGGAAACCCCATCAGGCAGTGCCGTGGGTTCAACTCCAATGGTGAGTATGCTGGGC-3'
Protein context (NP_004177.3, residues 580-600): SKRRSRRQDV[Arg590Trp]HGNPIRQCRG

ClinVar aggregate classification (germline): Uncertain significance (0 of 4 stars; one submission).

Conditions:
SEMA3F-related disorder. Also called: SEMA3F-related condition.

gnomAD v4.1: 5 of 1,613,808 alleles (0.00031%); highest among the groups gnomAD compares: Non-Finnish European, 0.00042%; no homozygotes.

Submission:

PreventionGenetics, part of Exact Sciences
Classification: Uncertain significance for SEMA3F-related condition. Last evaluated: 2024-04-10. Review status: no assertion criteria provided. Collection method: clinical testing. Allele origin: germline.
Comment: The SEMA3F c.1768C>T variant is predicted to result in the amino acid substitution p.Arg590Trp. To our knowledge, this variant has not been reported in the literature or in a large population database, indicating this variant is rare. At this time, the clinical significance of this variant is uncertain due to the absence of conclusive functional and genetic evidence.